The following is an entry in ClinVar:

NM_001197104.2(KMT2A):c.5572C>T (p.Arg1858Ter)

Gene: KMT2A (lysine methyltransferase 2A; plus strand). Cytogenetic location: 11q23.3.
Variant type: single nucleotide variant.
Coding change: c.5572C>T on transcript NM_001197104.2 (MANE Select); coding-DNA position 5572, C replaced by T.
Protein change: p.Arg1858Ter; replaces arginine 1858 with a stop codon.
Molecular consequence: nonsense.
Genome position (GRCh38, 1-based): chr11:118,496,275, C>T. VCF-style: chr11-118496275-C-T. GRCh37 (hg19) VCF-style: chr11-118366990-C-T.
Other names: c.5563C>T, p.Arg1855Ter (NM_005933.4); short protein forms R1855*, R1858*.
Identifiers: ClinVar variation 1254470 (VCV001254470.6), dbSNP rs2134357027, ClinGen allele CA382796809.

ClinVar aggregate classification (germline): Pathogenic. Review status: criteria provided, multiple submitters, no conflicts (2 of 4 stars). 3 submissions from 3 submitters: Pathogenic (3). Last evaluated 2025-05-09.

Conditions:
Wiedemann-Steiner syndrome (WDSTS). Also called: Growth deficiency and mental retardation with facial dysmorphism. Identifiers: Orphanet 319182, MedGen C1854630, MONDO:0011518, OMIM 605130.

Submissions (3):

Labcorp Genetics (formerly Invitae), Labcorp
Classification: Pathogenic. Last evaluated: 2025-05-09. Review status: criteria provided, single submitter. Criteria: Invitae Variant Classification Sherloc (09022015). Collection method: clinical testing. Allele origin: germline.
Comment: This sequence change creates a premature translational stop signal (p.Arg1858*) in the KMT2A gene. It is expected to result in an absent or disrupted protein product. Loss-of-function variants in KMT2A are known to be pathogenic (PMID: 22795537, 25810209, 29574747). This variant is not present in population databases (gnomAD no frequency). This premature translational stop signal has been observed in individual(s) with Wiedemann–Steiner syndrome (PMID: 35904121). ClinVar contains an entry for this variant (Variation ID: 1254470). Algorithms developed to predict the effect of sequence changes on RNA splicing suggest that this variant may disrupt the consensus splice site. For these reasons, this variant has been classified as Pathogenic.

3billion
Classification: Pathogenic for Wiedemann-Steiner syndrome. Last evaluated: 2023-02-23. Review status: criteria provided, single submitter. Criteria: ACMG Guidelines, 2015. Collection method: clinical testing. Allele origin: unknown. Affected: yes.
Comment: The variant is not observed in the gnomAD v2.1.1 dataset. This variant was predicted to result in a loss or disruption of normal protein function through nonsense-mediated decay (NMD) or protein truncation. Multiple pathogenic variants are reported downstream of the variant. The variant has been reported to be associated with KMT2A related disorder (ClinVar ID: VCV001254470). Therefore, this variant is classified as Pathogenic according to the recommendation of ACMG/AMP guideline.

GeneDx
Classification: Pathogenic. Last evaluated: 2021-09-17. Review status: criteria provided, single submitter. Criteria: GeneDx Variant Classification Process June 2021. Collection method: clinical testing. Allele origin: germline. Affected: yes.
Comment: Nonsense variant predicted to result in protein truncation or nonsense mediated decay in a gene for which loss-of-function is a known mechanism of disease; Not observed in large population cohorts (Lek et al., 2016); Has not been previously published as pathogenic or benign to our knowledge

Literature cited by the submitters: PubMed 22795537 (cited by Labcorp Genetics (formerly Invitae), Labcorp); PubMed 25810209 (cited by Labcorp Genetics (formerly Invitae), Labcorp); PubMed 29574747 (cited by Labcorp Genetics (formerly Invitae), Labcorp); PubMed 35904121 (cited by Labcorp Genetics (formerly Invitae), Labcorp).